The following is an entry in ClinVar:

ClinVar aggregate classification (germline): Uncertain significance (1 of 4 stars; one submission).

Conditions:
Marfan syndrome (MFS). Also called: FBN1-Related Marfan Syndrome; MARFAN SYNDROME, TYPE I; Marfan syndrome type 1; Marfan's syndrome; Marfan syndrome, classic. Identifiers: Orphanet 284963, Orphanet 558, MedGen C0024796, MONDO:0007947, OMIM 154700.
Familial thoracic aortic aneurysm and aortic dissection (TAAD). Also called: Thoracic aortic aneurysms and dissections. Identifiers: Orphanet 91387, MedGen C4707243, MONDO:0019625.

gnomAD v4.1: 4 of 1,612,760 alleles (0.00025%); highest among the groups gnomAD compares: Non-Finnish European, 0.00034%; no homozygotes.

Submission:

Labcorp Genetics (formerly Invitae), Labcorp
Classification: Uncertain significance for Marfan syndrome; Familial thoracic aortic aneurysm and aortic dissection. Last evaluated: 2025-06-09. Review status: criteria provided, single submitter. Criteria: Invitae Variant Classification Sherloc (09022015). Collection method: clinical testing. Allele origin: germline.
Comment: This sequence change replaces aspartic acid, which is acidic and polar, with glutamic acid, which is acidic and polar, at codon 1967 of the FBN1 protein (p.Asp1967Glu). This variant is not present in population databases (gnomAD no frequency). This variant has not been reported in the literature in individuals affected with FBN1-related conditions. Invitae Evidence Modeling of protein sequence and biophysical properties (such as structural, functional, and spatial information, amino acid conservation, physicochemical variation, residue mobility, and thermodynamic stability) has been performed for this missense variant. However, the output from this modeling did not meet the statistical confidence thresholds required to predict the impact of this variant on FBN1 protein function. In summary, the available evidence is currently insufficient to determine the role of this variant in disease. Therefore, it has been classified as a Variant of Uncertain Significance.

NM_000138.5(FBN1):c.5901T>G (p.Asp1967Glu)

Gene: FBN1 (fibrillin 1; minus strand). Cytogenetic location: 15q21.1.
Variant type: single nucleotide variant.
Coding change: c.5901T>G on transcript NM_000138.5 (MANE Select); coding-DNA position 5901, T replaced by G.
Protein change: p.Asp1967Glu; replaces aspartic acid 1967 with glutamic acid.
Molecular consequence: missense variant.
Genome position (GRCh38, 1-based): chr15:48,445,392, A>C on the plus strand (T>G on the coding strand, the complement: FBN1 is on the minus strand). VCF-style: chr15-48445392-A-C. GRCh37 (hg19) VCF-style: chr15-48737589-A-C.
Other names: c.5901T>G, p.Asp1967Glu (NM_001406716.1); short protein forms D1967E.
Identifiers: ClinVar variation 4789641 (VCV004789641.1).